The following is an entry in ClinVar:

ClinVar aggregate classification (germline): Uncertain significance (1 of 4 stars; one submission).

Conditions:
Dyskeratosis congenita, autosomal recessive 5 (DKCB5). Identifiers: MedGen C3554656, MONDO:0014076, OMIM 615190.
Pulmonary fibrosis and/or bone marrow failure, Telomere-related, 3. Also called: PULMONARY FIBROSIS AND/OR BONE MARROW FAILURE SYNDROME, TELOMERE-RELATED, 3. Identifiers: Orphanet 2032, MedGen C4225346, MONDO:0014613, OMIM 616373.

Submission:

Labcorp Genetics (formerly Invitae), Labcorp
Classification: Uncertain significance for Dyskeratosis congenita, autosomal recessive 5; Pulmonary fibrosis and/or bone marrow failure, Telomere-related, 3. Last evaluated: 2025-08-20. Review status: criteria provided, single submitter. Criteria: Invitae Variant Classification Sherloc (09022015). Collection method: clinical testing. Allele origin: germline.
Comment: This sequence change falls in intron 11 of the RTEL1 gene. It does not directly change the encoded amino acid sequence of the RTEL1 protein. This variant is not present in population databases (gnomAD no frequency). This variant has not been reported in the literature in individuals affected with RTEL1-related conditions. Algorithms developed to predict the effect of sequence changes on RNA splicing suggest that this variant may disrupt the consensus splice site. In summary, the available evidence is currently insufficient to determine the role of this variant in disease. Therefore, it has been classified as a Variant of Uncertain Significance.

NM_001283009.2(RTEL1):c.959-12_959-10del

Genes: RTEL1 (regulator of telomere elongation helicase 1; plus strand), RTEL1-TNFRSF6B (RTEL1-TNFRSF6B readthrough (NMD candidate); plus strand). Cytogenetic location: 20q13.33.
Variant type: Microsatellite.
Coding change: c.959-12_959-10del on transcript NM_001283009.2 (MANE Select); 12 bases into the intron before coding-DNA position 959 through 10 bases into the intron before coding-DNA position 959, 3 bases deleted (CTC; older notation c.959-12_959-10delCTC).
Molecular consequence: intron variant.
Genome position (GRCh38, 1-based): chr20:63,678,256-63,678,258, CTC deleted; deleting any 3 consecutive bases within chr20:63,678,252-63,678,258 gives the same sequence; the c. name uses the placement nearest the transcript's 3' end. VCF-style (leftmost placement, unchanged base first): chr20-63678251-ACCT-A. GRCh37 (hg19) VCF-style: chr20-62309604-ACCT-A.
Other names: c.290-12_290-10del (NM_001283010.1); c.1031-12_1031-10del (NM_032957.5); c.959-12_959-10del (NM_016434.4).
Identifiers: ClinVar variation 4788406 (VCV004788406.1).
Genomic context (GRCh38, chr20:63,678,251, plus strand): 5'-TTGCCCTCCCCGCCTCCTTGCAGCTGGGTGGGGCCTCCTCCTTGCGAGGAGGTGGGTGAC[ACCT>A]CCTCGACCCACAGTGATCCTGCTGCGCCTGGAGGGGGCCATCGATGCTGTTGAGCTGCCT-3'